The following is an entry in ClinVar:

NM_001005242.3(PKP2):c.875A>C (p.Gln292Pro)

Gene: PKP2 (plakophilin 2; minus strand). Cytogenetic location: 12p11.21.
Variant type: single nucleotide variant.
Coding change: c.875A>C on transcript NM_001005242.3 (MANE Select); coding-DNA position 875, A replaced by C.
Protein change: p.Gln292Pro; replaces glutamine 292 with proline.
Molecular consequence: missense variant.
Genome position (GRCh38, 1-based): chr12:32,878,005, T>G on the plus strand (A>C on the coding strand, the complement: PKP2 is on the minus strand). VCF-style: chr12-32878005-T-G. GRCh37 (hg19) VCF-style: chr12-33030939-T-G.
Other names: c.875A>C, p.Gln292Pro (NM_001407155.1, NM_001407156.1, NM_001407157.1 and 2 more transcripts); c.548A>C, p.Gln183Pro (NM_001407158.1, NM_001407159.1, NM_001407160.1 and 1 more transcripts); short protein forms Q292P, Q183P.
Identifiers: ClinVar variation 2803282 (VCV002803282.4), dbSNP rs1292498500, ClinGen allele CA384362119.

ClinVar aggregate classification (germline): Uncertain significance. Review status: criteria provided, multiple submitters, no conflicts (2 of 4 stars). 2 submissions from 2 submitters: Uncertain significance (2). Last evaluated 2023-11-20.

Conditions:
Arrhythmogenic right ventricular cardiomyopathy (ARVD). Also called: Arrhythmogenic right ventricular dysplasia; Cardiomyopathy, ARVC; Arrhythmogenic cardiomyopathy; Arrhythmogenic Right Ventricular Cardiomyopathy (ARVC). Identifiers: Orphanet 247, MedGen C0349788, MeSH D019571, MONDO:0016587. Disease mechanism: loss of function. Inheritance: Various modes of inheritance.
Arrhythmogenic right ventricular dysplasia 9 (ARVD9). Also called: ARRHYTHMOGENIC RIGHT VENTRICULAR DYSPLASIA, FAMILIAL, 9; Arrhythmogenic Right Ventricular Dysplasia/Cardiomyopathy 9. Identifiers: MedGen C1836906, MONDO:0012180, OMIM 609040.

Allele frequency attached by ClinVar (database versions not stated): TOPMed below 0.00001; gnomAD 0.00001; gnomAD exomes 0.00001.
gnomAD v4.1: 16 of 1,613,934 alleles (0.00099%); highest among the groups gnomAD compares: Non-Finnish European, 0.0013%; no homozygotes.

Submissions (2):

All of Us Research Program, National Institutes of Health
Classification: Uncertain significance for Arrhythmogenic right ventricular cardiomyopathy. Last evaluated: 2023-11-20. Review status: criteria provided, single submitter. Criteria: ACMG Guidelines, 2015. Collection method: clinical testing. Allele origin: germline. Inheritance: Autosomal dominant inheritance. Observed: 1 variant allele, 1 heterozygote.
Comment: This missense variant replaces glutamine with proline at codon 292 of the PKP2 protein. Computational prediction suggests that this variant may not impact protein structure and function (internally defined REVEL score threshold <= 0.5, PMID: 27666373). To our knowledge, functional studies have not been reported for this variant. This variant has not been reported in individuals affected with PKP2-related disorders in the literature. This variant has not been identified in the general population by the Genome Aggregation Database (gnomAD). The available evidence is insufficient to determine the role of this variant in disease conclusively. Therefore, this variant is classified as a Variant of Uncertain Significance.

This study involves interpretation of variants in research participants for the purpose of population health screening. Participant phenotype was not available at the time of variant classification. Additional details can be found in publication PMID: 35346344, PMCID: PMC8962531

Labcorp Genetics (formerly Invitae), Labcorp
Classification: Uncertain significance for Arrhythmogenic right ventricular dysplasia 9. Last evaluated: 2023-06-21. Review status: criteria provided, single submitter. Criteria: Invitae Variant Classification Sherloc (09022015). Collection method: clinical testing. Allele origin: germline.
Comment: This sequence change replaces glutamine, which is neutral and polar, with proline, which is neutral and non-polar, at codon 292 of the PKP2 protein (p.Gln292Pro). This variant is not present in population databases (gnomAD no frequency). This variant has not been reported in the literature in individuals affected with PKP2-related conditions. An algorithm developed to predict the effect of missense changes on protein structure and function (PolyPhen-2) suggests that this variant is likely to be disruptive. In summary, the available evidence is currently insufficient to determine the role of this variant in disease. Therefore, it has been classified as a Variant of Uncertain Significance.